The following is an entry in ClinVar:

NM_014314.4(RIGI):c.1774+1G>T

Gene: RIGI (RNA sensor RIG-I; minus strand). Cytogenetic location: 9p21.1.
Variant type: single nucleotide variant.
Coding change: c.1774+1G>T on transcript NM_014314.4 (MANE Select); the canonical splice donor site of the intron after coding-DNA position 1774, G replaced by T.
Molecular consequence: splice donor variant.
Genome position (GRCh38, 1-based): chr9:32,480,218, C>A on the plus strand (G>T on the coding strand, the complement: RIGI is on the minus strand). VCF-style: chr9-32480218-C-A. GRCh37 (hg19) VCF-style: chr9-32480216-C-A.
Other names: c.1165+1G>T (NM_001385912.1); c.1759+1G>T (NM_001385913.1); c.1768+1G>T (NM_001385907.1); c.1774+1G>T (NM_001385909.1); c.1330+1G>T (NM_001385914.1); c.1333+1G>T (NM_001385910.1).
Identifiers: ClinVar variation 1462606 (VCV001462606.6), dbSNP rs61756274, ClinGen allele CA5019696.

ClinVar aggregate classification (germline): Uncertain significance (1 of 4 stars; one submission).

Allele frequency attached by ClinVar (database versions not stated): gnomAD 0.00001; TOPMed 0.00002; ExAC 0.00004.
gnomAD v4.1: 43 of 1,594,540 alleles (0.0027%); highest among the groups gnomAD compares: Non-Finnish European, 0.0036%; no homozygotes.

Submission:

Labcorp Genetics (formerly Invitae), Labcorp
Classification: Uncertain significance. Last evaluated: 2023-07-10. Review status: criteria provided, single submitter. Criteria: Invitae Variant Classification Sherloc (09022015). Collection method: clinical testing. Allele origin: germline.
Comment: This variant is present in population databases (rs61756274, gnomAD 0.008%). In summary, the available evidence is currently insufficient to determine the role of this variant in disease. Therefore, it has been classified as a Variant of Uncertain Significance. Algorithms developed to predict the effect of sequence changes on RNA splicing suggest that this variant may disrupt the consensus splice site. ClinVar contains an entry for this variant (Variation ID: 1462606). This variant has not been reported in the literature in individuals affected with DDX58-related conditions. This sequence change affects a donor splice site in intron 12 of the DDX58 gene. It is expected to disrupt RNA splicing. Variants that disrupt the donor or acceptor splice site typically lead to a loss of protein function (PMID: 16199547), however the current clinical and genetic evidence is not sufficient to establish whether loss-of-function variants in DDX58 cause disease.

Literature cited by the submitters: PubMed 16199547.